The following is an entry in ClinVar:

NM_025074.7(FRAS1):c.1399+1G>A

Gene: FRAS1 (Fraser extracellular matrix complex subunit 1; plus strand). Cytogenetic location: 4q21.21.
Variant type: single nucleotide variant.
Coding change: c.1399+1G>A on transcript NM_025074.7 (MANE Select); the canonical splice donor site of the intron after coding-DNA position 1399, G replaced by A.
Molecular consequence: splice donor variant.
Genome position (GRCh38, 1-based): chr4:78,284,549, G>A. VCF-style: chr4-78284549-G-A. GRCh37 (hg19) VCF-style: chr4-79205703-G-A.
Other names: c.1399+1G>A (NM_001166133.2).
Identifiers: ClinVar variation 916652 (VCV000916652.1), dbSNP rs1727490024, ClinGen allele CA357366465.

ClinVar aggregate classification (germline): Pathogenic (1 of 4 stars; one submission).

Conditions:
Fraser syndrome 1 (FRASRS1). Also called: CRYPTOPHTHALMOS WITH OTHER MALFORMATIONS. Identifiers: Orphanet 2052, MedGen C4551480, MONDO:0054737, OMIM 219000.

Submission:

Service de Biochimie Médicale et Biologie Moléculaire, CHU Clermont-Ferrand
Classification: Pathogenic for Fraser syndrome 1. Last evaluated: 2018-09-14. Review status: criteria provided, single submitter. Criteria: ACMG Guidelines, 2015. Collection method: clinical testing. Allele origin: inherited. Inheritance: Autosomal recessive inheritance. Affected: yes.
Comment: This variant in homozygous state or compound heterozygous state induced Fraser syndrome phenotype